The following is an entry in ClinVar:

NM_001354604.2(MITF):c.881-9C>G

Gene: MITF (melanocyte inducing transcription factor; plus strand). Cytogenetic location: 3p13.
Variant type: single nucleotide variant.
Coding change: c.881-9C>G on transcript NM_001354604.2 (MANE Select); 9 bases into the intron before coding-DNA position 881, C replaced by G.
Molecular consequence: intron variant.
Genome position (GRCh38, 1-based): chr3:69,951,803, C>G. VCF-style: chr3-69951803-C-G. GRCh37 (hg19) VCF-style: chr3-70000954-C-G.
Other names: c.830-27C>G (NM_001354607.2); c.725-27C>G (NM_001354608.2, NM_001184967.2); c.881-27C>G (NM_198159.3); c.878-9C>G (NM_001354605.2); c.878-27C>G (NM_001354606.2, NM_006722.3); c.833-27C>G (NM_198177.3); c.560-9C>G (NM_000248.4); c.560-27C>G (NM_198158.3); and 1 more.
Identifiers: ClinVar variation 228853 (VCV000228853.21), dbSNP rs766938558, ClinGen allele CA2490503.

ClinVar aggregate classification (germline): Uncertain significance. Review status: criteria provided, multiple submitters, no conflicts (2 of 4 stars). 6 submissions from 6 submitters: Uncertain significance (6). Last evaluated 2026-04-08.

Conditions:
Renal cell carcinoma. Identifiers: Orphanet 217071, MedGen C0007134, MeSH D002292, MONDO:0005086, HP:0005584.
Tietz syndrome (TADS). Also called: TIETZ ALBINISM-DEAFNESS SYNDROME; ALBINISM-DEAFNESS OF TIETZ; HYPOPIGMENTATION/DEAFNESS OF TIETZ. Identifiers: Orphanet 42665, MedGen C0391816, MONDO:0007077, OMIM 103500.
Waardenburg syndrome type 2A (WS2A). Also called: WAARDENBURG SYNDROME WITHOUT DYSTOPIA CANTHORUM. Identifiers: Orphanet 3440, MedGen C1860339, MONDO:0008671, OMIM 193510.
Melanoma, cutaneous malignant, susceptibility to, 8. Also called: MELANOMA AND RENAL CELL CARCINOMA, SUSCEPTIBILITY TO; Cutaneous malignant melanoma 8. Identifiers: Orphanet 293822, MedGen C3152204, MONDO:0013759, OMIM 614456.
Coloboma, osteopetrosis, microphthalmia, macrocephaly, albinism, and deafness (COMMAD). Also called: COMMAD syndrome. Identifiers: Orphanet 603494, MedGen C4310625, MONDO:0015014, OMIM 617306.
Hereditary cancer-predisposing syndrome. Also called: Neoplastic Syndromes, Hereditary; Hereditary Cancer Syndrome; Tumor predisposition; Hereditary neoplastic syndrome. Identifiers: Orphanet 140162, MedGen C0027672, MeSH D009386, MONDO:0015356.

Allele frequency attached by ClinVar (database versions not stated): TOPMed 0.00010; gnomAD 0.00003.
gnomAD v4.1: 169 of 1,611,250 alleles (0.01%); highest among the groups gnomAD compares: Non-Finnish European, 0.013%; no homozygotes.

Submissions (6):

Clinical Genetics Laboratory, Skane University Hospital Lund
Classification: Uncertain significance for Renal cell carcinoma. Last evaluated: 2026-04-08. Review status: criteria provided, single submitter. Criteria: ACMG Guidelines, 2015. Collection method: clinical testing. Allele origin: germline. Affected: yes.
Comment: ACMG criteria applied: PP3.

Labcorp Genetics (formerly Invitae), Labcorp
Classification: Uncertain significance for Melanoma, cutaneous malignant, susceptibility to, 8; Waardenburg syndrome type 2A; Tietz syndrome. Last evaluated: 2026-01-10. Review status: criteria provided, single submitter. Criteria: Invitae Variant Classification Sherloc (09022015). Collection method: clinical testing. Allele origin: germline.
Comment: This sequence change falls in intron 5 of the MITF gene. It does not directly change the encoded amino acid sequence of the MITF protein. This variant is present in population databases (rs766938558, gnomAD 0.01%). This variant has not been reported in the literature in individuals affected with MITF-related conditions. ClinVar contains an entry for this variant (Variation ID: 228853). Algorithms developed to predict the effect of sequence changes on RNA splicing suggest that this variant may disrupt the consensus splice site. In summary, the available evidence is currently insufficient to determine the role of this variant in disease. Therefore, it has been classified as a Variant of Uncertain Significance.

GeneDx
Classification: Uncertain significance. Last evaluated: 2024-06-14. Review status: criteria provided, single submitter. Criteria: GeneDx Variant Classification Process June 2021. Collection method: clinical testing. Allele origin: germline. Affected: yes.
Comment: In silico analysis supports a deleterious effect on splicing; Has not been previously published as pathogenic or benign to our knowledge

Fulgent Genetics
Classification: Uncertain significance for Tietz syndrome; Waardenburg syndrome type 2A; Melanoma, cutaneous malignant, susceptibility to, 8; Coloboma, osteopetrosis, microphthalmia, macrocephaly, albinism, and deafness. Last evaluated: 2023-12-22. Review status: criteria provided, single submitter. Criteria: ACMG Guidelines, 2015. Collection method: clinical testing. Allele origin: germline.

Sema4
Classification: Uncertain significance for Hereditary cancer-predisposing syndrome. Last evaluated: 2021-07-13. Review status: criteria provided, single submitter. Criteria: Sema4 Curation Guidelines. Collection method: curation. Allele origin: germline.
Comment: The MITF c.560-9C>G variant has not been reported in the literature to our knowledge. It was observed in 16/128494 chromosomes of the Non-Finnish European subpopulation, with no homozygotes, in the large and broad cohorts of the Genome Aggregation Database (PMID: 32461654). The variant has been reported in ClinVar (Variation ID 228853). Splice site prediction tools suggest the variant does not disrupt normal splicing, however these predictions have not been confirmed by published transcriptional studies. The evidence is insufficient to meet ACMG/AMP criteria for classifying the variant as benign or pathogenic. Thus, the clinical significance of this variant is currently uncertain.

Laboratory for Molecular Medicine, Mass General Brigham Personalized Medicine
Classification: Uncertain significance. Last evaluated: 2015-12-24. Review status: criteria provided, single submitter. Criteria: LMM Criteria. Collection method: clinical testing. Allele origin: germline. Observed: 1 variant allele.
Comment: The c.560-9C>G variant in MITF has not been previously reported in individuals w ith hearing loss or Waardenburg syndrome, but has been identified in 6/64578 Eur opean chromosomes by the Exome Aggregation Consortium (ExAC). This frequency is not high enough to rule out a pathogenic role. The variant is located in the 3' splice region, and computational tools suggest an impact to splicing. However, this information is not predictive enough to det ermine pathogenicity. In summary, the clinical significance of the c.560-9C>G va riant is uncertain.